The following is an entry in ClinVar:

NM_000051.4(ATM):c.7229T>A (p.Phe2410Tyr)

Genes: C11orf65 (chromosome 11 open reading frame 65; minus strand), ATM (ATM serine/threonine kinase; plus strand). Cytogenetic location: 11q22.3.
Variant type: single nucleotide variant.
Coding change: c.7229T>A on transcript NM_000051.4 (MANE Select); coding-DNA position 7229, T replaced by A.
Protein change: p.Phe2410Tyr; replaces phenylalanine 2410 with tyrosine.
Molecular consequence: missense variant. On other transcripts: intron variant (2).
Genome position (GRCh38, 1-based): chr11:108,329,160, T>A. VCF-style: chr11-108329160-T-A. GRCh37 (hg19) VCF-style: chr11-108199887-T-A.
Other names: c.7229T>A, p.Phe2410Tyr (NM_001351834.2); c.641-20089A>T (NM_001330368.2); c.*38+6060A>T (NM_001351110.2); short protein forms F2410Y.
Identifiers: ClinVar variation 524277 (VCV000524277.25), dbSNP rs758351633, ClinGen allele CA382559678.

ClinVar aggregate classification (germline): Uncertain significance. Review status: criteria provided, multiple submitters, no conflicts (2 of 4 stars). 4 submissions from 4 submitters: Uncertain significance (3). 1 of the submissions does not count toward it. Last evaluated 2026-01-26.

Conditions:
Hereditary cancer-predisposing syndrome. Also called: Hereditary Cancer Syndrome; Neoplastic Syndromes, Hereditary; Tumor predisposition; Hereditary neoplastic syndrome. Identifiers: Orphanet 140162, MedGen C0027672, MeSH D009386, MONDO:0015356.
Ataxia-telangiectasia syndrome (AT). Also called: Cerebello-oculocutaneous telangiectasia; Immunodeficiency with ataxia telangiectasia; Ataxia-telangiectasia, complementation group E; Ataxia-telangiectasia, complementation group D; AT, COMPLEMENTATION GROUP C; ATAXIA-TELANGIECTASIA, COMPLEMENTATION GROUP A. Identifiers: Orphanet 100, MedGen C0004135, MONDO:0008840, OMIM 208900.

gnomAD v4.1: 1 of 1,614,044 alleles (0.000062%); highest among the groups gnomAD compares: Admixed American, 0.0017%; no homozygotes.

Submissions (4):

Labcorp Genetics (formerly Invitae), Labcorp
Classification: Uncertain significance for Ataxia-telangiectasia syndrome. Last evaluated: 2026-01-26. Review status: criteria provided, single submitter. Criteria: Invitae Variant Classification Sherloc (09022015). Collection method: clinical testing. Allele origin: germline.
Comment: This sequence change replaces phenylalanine, which is neutral and non-polar, with tyrosine, which is neutral and polar, at codon 2410 of the ATM protein (p.Phe2410Tyr). This variant is present in population databases (no rsID available, gnomAD 0.003%). This variant has not been reported in the literature in individuals affected with ATM-related conditions. ClinVar contains an entry for this variant (Variation ID: 524277). Invitae Evidence Modeling of protein sequence and biophysical properties (such as structural, functional, and spatial information, amino acid conservation, physicochemical variation, residue mobility, and thermodynamic stability) indicates that this missense variant is not expected to disrupt ATM protein function with a negative predictive value of 95%. In summary, the available evidence is currently insufficient to determine the role of this variant in disease. Therefore, it has been classified as a Variant of Uncertain Significance.

Ambry Genetics
Classification: Uncertain significance for Hereditary cancer-predisposing syndrome. Last evaluated: 2025-08-20. Review status: criteria provided, single submitter. Criteria: Ambry Variant Classification Scheme 2023. Collection method: clinical testing. Allele origin: germline.

Women's Health and Genetics/Laboratory Corporation of America, LabCorp
Classification: Uncertain significance. Last evaluated: 2017-11-03. Review status: criteria provided, single submitter. Criteria: LabCorp Variant Classification Summary - May 2015. Collection method: clinical testing. Allele origin: germline.
Comment: Variant summary: The ATM c.7229T>A (p.Phe2410Tyr) variant involves the alteration of a conserved nucleotide. 2/4 in silico tools predict a benign outcome for this variant (SNPsandGO not captured due to low reliability index). This variant was found in 1/246048 control chromosomes at a frequency of 0.0000041, which does not exceed the estimated maximal expected allele frequency of a pathogenic ATM variant (0.0010005). The variant of interest has not, to our knowledge, been reported in affected individuals via publications and/or reputable databases/clinical diagnostic laboratories; nor evaluated for functional impact by in vivo/vitro studies. Because of the absence of clinical information and the lack of functional studies, the variant is classified as a variant of uncertain significance (VUS) until additional information becomes available.

Natera, Inc.
Classification: Uncertain significance for Ataxia-telangiectasia. Last evaluated: 2021-05-23. Review status: no assertion criteria provided. Collection method: clinical testing. Allele origin: germline. Not counted in ClinVar's aggregate classification.